The following is an entry in ClinVar:

ClinVar aggregate classification (germline): Conflicting classifications of pathogenicity. Review status: criteria provided, conflicting classifications (1 of 4 stars). 2 submissions from 2 submitters: Uncertain significance (1); Likely benign (1). Last evaluated 2025-12-09.

Conditions:
Cardiovascular phenotype. Identifiers: MedGen CN230736.

Allele frequency attached by ClinVar (database versions not stated): gnomAD exomes 0.00001; gnomAD 0.00003 and 0.00004; TOPMed 0.00003.
gnomAD v4.1: 24 of 1,564,248 alleles (0.0015%); highest among the groups gnomAD compares: African/African-American, 0.024%; no homozygotes.

Submissions (2):

Labcorp Genetics (formerly Invitae), Labcorp
Classification: Uncertain significance. Last evaluated: 2025-12-09. Review status: criteria provided, single submitter. Criteria: Invitae Variant Classification Sherloc (09022015). Collection method: clinical testing. Allele origin: germline.
Comment: This sequence change replaces alanine, which is neutral and non-polar, with valine, which is neutral and non-polar, at codon 1436 of the ALPK3 protein (p.Ala1436Val). The frequency data for this variant in the population databases is considered unreliable, as metrics indicate poor data quality at this position in the gnomAD database. This variant has not been reported in the literature in individuals affected with ALPK3-related conditions. ClinVar contains an entry for this variant (Variation ID: 1435920). Invitae Evidence Modeling of protein sequence and biophysical properties (such as structural, functional, and spatial information, amino acid conservation, physicochemical variation, residue mobility, and thermodynamic stability) indicates that this missense variant is not expected to disrupt ALPK3 protein function with a negative predictive value of 80%. In summary, the available evidence is currently insufficient to determine the role of this variant in disease. Therefore, it has been classified as a Variant of Uncertain Significance.

Ambry Genetics
Classification: Likely benign for Cardiovascular phenotype. Last evaluated: 2025-06-23. Review status: criteria provided, single submitter. Criteria: Ambry Variant Classification Scheme 2023. Collection method: clinical testing. Allele origin: germline.

NM_020778.5(ALPK3):c.3701C>T (p.Ala1234Val)

Gene: ALPK3 (alpha kinase 3; plus strand). Cytogenetic location: 15q25.3.
Variant type: single nucleotide variant.
Coding change: c.3701C>T on transcript NM_020778.5 (MANE Select); coding-DNA position 3701, C replaced by T.
Protein change: p.Ala1234Val; replaces alanine 1234 with valine.
Molecular consequence: missense variant.
Genome position (GRCh38, 1-based): chr15:84,858,439, C>T. VCF-style: chr15-84858439-C-T. GRCh37 (hg19) VCF-style: chr15-85401670-C-T.
Other names: short protein forms A1234V.
Identifiers: ClinVar variation 1435920 (VCV001435920.9), dbSNP rs1009090950, ClinGen allele CA273625868.